The following is an entry in ClinVar:

ClinVar aggregate classification (germline): Uncertain significance (1 of 4 stars; one submission).

Submission:

CeGaT Center for Human Genetics Tuebingen
Classification: Uncertain significance. Last evaluated: 2025-02-01. Review status: criteria provided, single submitter. Criteria: CeGaT Center For Human Genetics Tuebingen Variant Classification Criteria Version 2. Collection method: clinical testing. Allele origin: germline. Affected: yes. Observed: 1 variant allele.
Comment: PLXNA3: PM2, BP4

NM_017514.5(PLXNA3):c.5157-7T>C

Gene: PLXNA3 (plexin A3; plus strand). Cytogenetic location: Xq28.
Variant type: single nucleotide variant.
Coding change: c.5157-7T>C on transcript NM_017514.5 (MANE Select); 7 bases into the intron before coding-DNA position 5157, T replaced by C.
Molecular consequence: intron variant.
Genome position (GRCh38, 1-based): chrX:154,471,098, T>C. VCF-style: chrX-154471098-T-C. GRCh37 (hg19) VCF-style: chrX-153699441-T-C.
Identifiers: ClinVar variation 3772412 (VCV003772412.13).